The following is an entry in ClinVar:

ClinVar aggregate classification (germline): Conflicting classifications of pathogenicity. Review status: criteria provided, conflicting classifications (1 of 4 stars). 14 submissions from 12 submitters: Uncertain significance (8); Likely benign (5). 1 of the submissions does not count toward it. Last evaluated 2025-11-11.

Conditions:
Hereditary hyperinsulinism.
Type 2 diabetes mellitus. Also called: Type II diabetes mellitus. Identifiers: MedGen C0011860, MeSH D003924, MONDO:0005148, OMIM 125853, HP:0005978.
Hyperinsulinemic hypoglycemia, familial, 1 (HHF1). Also called: Persistent Hyperinsulinemia Hypoglycemia of Infancy; Persistent hyperinsulinemic hypoglycemia of infancy; HYPERINSULINISM, FAMILIAL, WITH PANCREATIC NESIDIOBLASTOSIS; HYPOGLYCEMIA, HYPERINSULINEMIC, OF INFANCY; NESIDIOBLASTOSIS OF PANCREAS. Identifiers: Orphanet 276575, Orphanet 276598, MedGen C2931832, MONDO:0009734, OMIM 256450.
ABCC8-related disorder.
Inborn genetic diseases. Identifiers: MedGen C0950123, MeSH D030342.
Pulmonary arterial hypertension. Identifiers: Orphanet 182090, MedGen C2973725, MeSH D000081029, MONDO:0015924, HP:0002092.
Diabetes mellitus, transient neonatal, 2 (TNDM2). Identifiers: Orphanet 99886, MedGen C1835887, MONDO:0012480, OMIM 610374. Disease mechanism: loss of function.
Permanent neonatal diabetes mellitus (PNDM). Identifiers: Orphanet 99885, MedGen C1833104, MONDO:0100164, MONDO:0011643. Disease mechanism: gain of function.

Allele frequency attached by ClinVar (database versions not stated): 1000 Genomes Project 0.00020; 1000 Genomes Project 30x 0.00047; ExAC 0.00084; gnomAD exomes 0.00088 and 0.00181; gnomAD 0.00091 and 0.00097; TOPMed 0.00091; ESP Exome Variant Server 0.00123.
gnomAD v4.1: 2,726 of 1,614,100 alleles (0.17%); highest among the groups gnomAD compares: Non-Finnish European, 0.22%; 6 homozygotes.

Submissions (14):

Women's Health and Genetics/Laboratory Corporation of America, LabCorp
Classification: Uncertain significance. Last evaluated: 2025-11-11. Review status: criteria provided, single submitter. Criteria: LabCorp Variant Classification Summary - May 2015. Collection method: clinical testing. Allele origin: germline.
Comment: Variant summary: ABCC8 c.1384A>G (p.Ile462Val) results in a conservative amino acid change located in the ABC transporter type 1, transmembrane domain (IPR011527) of the encoded protein sequence. Algorithms developed to predict the effect of missense changes on protein structure and function are either unavailable or do not agree on the potential impact of this missense change. The variant allele was found at a frequency of 0.00088 in 251358 control chromosomes, predominantly at a frequency of 0.0018 within the Non-Finnish European subpopulation in the gnomAD database. This frequency is not significantly higher than estimated for disease-causing variants in ABCC8 causing Congenital Hyperinsulinism (0.00088 vs 0.0034), allowing no conclusion about variant significance. c.1384A>G has been observed in individuals affected with Congenital Hyperinsulinism without strong evidence of causality (Sandal_2009, Snider_2013). These report(s) do not provide unequivocal conclusions about association of the variant with Congenital Hyperinsulinism. To our knowledge, no experimental evidence demonstrating an impact on protein function has been reported. The following publications have been ascertained in the context of this evaluation (PMID: 27913849, 19475716, 23275527). ClinVar contains an entry for this variant (Variation ID: 210068). Based on the evidence outlined above, the variant was classified as uncertain significance.

PreventionGenetics, part of Exact Sciences
Classification: Uncertain significance for ABCC8-related condition. Last evaluated: 2025-10-31. Review status: criteria provided, single submitter. Criteria: ACMG Guidelines, 2015. Collection method: clinical testing. Allele origin: germline.
Comment: The ABCC8 c.1384A>G variant is predicted to result in the amino acid substitution p.Ile462Val. The patient reported by Sandal et al. inherited the c.1384A>G (p.Ile462Val) variant and a splicing variant from the mother while the paternal allele is a nonsense pathogenic change. Sandal et al. suggested that the major deleterious effect on the maternal allele is from the splicing variant and the c.1384A>G (p.Ile462Val) variant may contribute less, if at all. Therefore, its clinical significance has not been established with sufficient evidence This variant is reported in 0.18% of alleles in individuals of European (Non-Finnish) descent in gnomAD. Although we suspect this change is more likely benign, at this time, the clinical significance of this variant is uncertain due to the absence of conclusive functional and genetic evidence.

Labcorp Genetics (formerly Invitae), Labcorp
Classification: Uncertain significance. Last evaluated: 2024-11-27. Review status: criteria provided, single submitter. Criteria: Invitae Variant Classification Sherloc (09022015). Collection method: clinical testing. Allele origin: germline.
Comment: This sequence change replaces isoleucine, which is neutral and non-polar, with valine, which is neutral and non-polar, at codon 462 of the ABCC8 protein (p.Ile462Val). This variant is present in population databases (rs117874766, gnomAD 0.2%), and has an allele count higher than expected for a pathogenic variant. This missense change has been observed in individual(s) with congenital hyperinsulinism (PMID: 19475716). ClinVar contains an entry for this variant (Variation ID: 210068). Invitae Evidence Modeling of protein sequence and biophysical properties (such as structural, functional, and spatial information, amino acid conservation, physicochemical variation, residue mobility, and thermodynamic stability) indicates that this missense variant is not expected to disrupt ABCC8 protein function with a negative predictive value of 95%. In summary, the available evidence is currently insufficient to determine the role of this variant in disease. Therefore, it has been classified as a Variant of Uncertain Significance.

Blueprint Genetics
Classification: Uncertain significance. Last evaluated: 2024-11-26. Review status: criteria provided, single submitter. Criteria: ACMG Guidelines, 2015. Collection method: clinical testing. Allele origin: germline.

Clinical Genomics Laboratory, Washington University in St. Louis
Classification: Uncertain significance for Type 2 diabetes mellitus; Hyperinsulinemic hypoglycemia, familial, 1. Last evaluated: 2024-05-08. Review status: criteria provided, single submitter. Criteria: ACMG Guidelines, 2015. Collection method: clinical testing. Allele origin: germline.
Comment: An ABCC8 c.1384A>G (p.Ile462Val) missense variant was identified in a heterozygous state. This variant has been identified in the literature in 2 affected siblings who each inherited three ABCC8 variants, the p.Ile462Val variant and a splicing variant on the maternal allele and a nonsense variant on the paternal allele. Since both individuals had other variants expected to cause disease, the p.Ile462Val variant was interpreted as non-causal (Sandal T et al., PMID: 19475716). It has also been reported in an individual with congenital hyperinsulinism but was interpreted as non-causal (Snider KE et al., PMID: 23275527). This variant is observed on 257/282,726 alleles in the general population (gnomAD v.2.1.1). Computational predictors suggest that this variant does not impact ABCC8 function. This variant has been reported in the ClinVar database as a germline variant of uncertain significance by 5 submitters and a likely benign variant by 3 submitters (ClinVar ID: 210068). Due to limited information, and based on ACMG/AMP guidelines for variant interpretation (Richards S et al., PMID: 25741868), the clinical significance of this variant is uncertain at this time.

GeneDx
Classification: Likely benign. Last evaluated: 2023-04-07. Review status: criteria provided, single submitter. Criteria: GeneDx Variant Classification Process June 2021. Collection method: clinical testing. Allele origin: germline. Affected: yes.
Comment: See Variant Classification Assertion Criteria.

Department of Pathology and Laboratory Medicine, Sinai Health System
Classification: Uncertain significance for pulmonary arterial hypertension. Last evaluated: 2022-03-25. Review status: criteria provided, single submitter. Criteria: ACMG Guidelines, 2015. Collection method: research. Allele origin: germline.

Ambry Genetics
Classification: Likely benign for Inborn genetic diseases. Last evaluated: 2022-02-28. Review status: criteria provided, single submitter. Criteria: Ambry Variant Classification Scheme 2023. Collection method: clinical testing. Allele origin: germline.

Baylor Genetics
Classification: Uncertain significance for Type 2 diabetes mellitus. Last evaluated: 2018-01-24. Review status: criteria provided, single submitter. Criteria: ACMG Guidelines, 2015. Collection method: clinical testing. Allele origin: maternal. Affected: yes.
Comment: This variant was determined to be of uncertain significance according to ACMG Guidelines, 2015 [PMID:25741868].

Illumina Laboratory Services, Illumina
Classification: Likely benign for Diabetes mellitus, transient neonatal, 2. Last evaluated: 2017-04-27. Review status: criteria provided, single submitter. Criteria: ICSL Variant Classification Criteria 13 December 2019. Collection method: clinical testing. Allele origin: germline.
Comment: This variant was observed as part of a predisposition screen in an ostensibly healthy population. A literature search was performed for the gene, cDNA change, and amino acid change (where applicable). No publications were found based on this search. Allele frequency data from public databases allowed determination this variant is unlikely to cause disease. Therefore, this variant is classified as likely benign.

Illumina Laboratory Services, Illumina
Classification: Likely benign for Permanent neonatal diabetes mellitus 1. Last evaluated: 2017-04-27. Review status: criteria provided, single submitter. Criteria: ICSL Variant Classification Criteria 13 December 2019. Collection method: clinical testing. Allele origin: germline.
Comment: the same text as in the submission from Illumina Laboratory Services, Illumina above.

Illumina Laboratory Services, Illumina
Classification: Likely benign for Hyperinsulinemic hypoglycemia, familial, 1. Last evaluated: 2017-04-27. Review status: criteria provided, single submitter. Criteria: ICSL Variant Classification Criteria 13 December 2019. Collection method: clinical testing. Allele origin: germline.
Comment: This variant was observed as part of a predisposition screen in an ostensibly healthy population. A literature search was performed for the gene, cDNA change, and amino acid change (where applicable). Publications were found based on this search. The evidence from the literature, in combination with allele frequency data from public databases where available, was sufficient to determine this variant is unlikely to cause disease. Therefore, this variant is classified as likely benign.

Genetic Services Laboratory, University of Chicago
Classification: Uncertain significance. Last evaluated: 2015-06-10. Review status: criteria provided, single submitter. Criteria: ACMG Guidelines, 2015. Collection method: clinical testing. Allele origin: germline.

Natera, Inc.
Classification: Uncertain significance for Hereditary hyperinsulinism. Last evaluated: 2020-04-03. Review status: no assertion criteria provided. Collection method: clinical testing. Allele origin: germline. Not counted in ClinVar's aggregate classification.

Literature cited by the submitters: PubMed 19475716 (cited by 3 submitters); PubMed 23275527 (cited by Women's Health and Genetics/Laboratory Corporation of America, LabCorp); PubMed 27913849 (cited by Women's Health and Genetics/Laboratory Corporation of America, LabCorp).

NM_000352.6(ABCC8):c.1384A>G (p.Ile462Val)

Gene: ABCC8 (ATP binding cassette subfamily C member 8; minus strand). Cytogenetic location: 11p15.1.
Variant type: single nucleotide variant.
Coding change: c.1384A>G on transcript NM_000352.6 (MANE Select); coding-DNA position 1384, A replaced by G.
Protein change: p.Ile462Val; replaces isoleucine 462 with valine.
Molecular consequence: missense variant. On other transcripts: non-coding transcript variant (1).
Genome position (GRCh38, 1-based): chr11:17,443,261, T>C on the plus strand (A>G on the coding strand, the complement: ABCC8 is on the minus strand). VCF-style: chr11-17443261-T-C. GRCh37 (hg19) VCF-style: chr11-17464808-T-C.
Other names: c.1384A>G, p.Ile462Val (NM_001287174.3, NM_001351295.2); c.1381A>G, p.Ile461Val (NM_001351296.2, NM_001351297.2); c.1384A>G (NM_000352.4); short protein forms I462V, I461V.
Identifiers: ClinVar variation 210068 (VCV000210068.38), dbSNP rs117874766, ClinGen allele CA207378.